The following is an entry in ClinVar:

NM_024577.4(SH3TC2):c.3617C>A (p.Ala1206Asp)

Gene: SH3TC2 (SH3 domain and tetratricopeptide repeats 2; minus strand). Cytogenetic location: 5q32.
Variant type: single nucleotide variant.
Coding change: c.3617C>A on transcript NM_024577.4 (MANE Select); coding-DNA position 3617, C replaced by A.
Protein change: p.Ala1206Asp; replaces alanine 1206 with aspartic acid.
Molecular consequence: missense variant.
Genome position (GRCh38, 1-based): chr5:149,006,939, G>T on the plus strand (C>A on the coding strand, the complement: SH3TC2 is on the minus strand). VCF-style: chr5-149006939-G-T. GRCh37 (hg19) VCF-style: chr5-148386502-G-T.
Other names: short protein forms A1206D.
Identifiers: ClinVar variation 1522890 (VCV001522890.8), dbSNP rs1753699992, ClinGen allele CA361664000.

ClinVar aggregate classification (germline): Uncertain significance (1 of 4 stars; one submission).

Conditions:
Charcot-Marie-Tooth disease type 4. Also called: Charcot-Marie-Tooth disease, type IV; Charcot-Marie-Tooth, Type 4. Identifiers: Orphanet 64749, MedGen C4082197, MONDO:0018995.

Allele frequency attached by ClinVar (database versions not stated): TOPMed below 0.00001.

Submission:

Labcorp Genetics (formerly Invitae), Labcorp
Classification: Uncertain significance for Charcot-Marie-Tooth disease type 4. Last evaluated: 2022-07-12. Review status: criteria provided, single submitter. Criteria: Invitae Variant Classification Sherloc (09022015). Collection method: clinical testing. Allele origin: germline.
Comment: This variant is not present in population databases (gnomAD no frequency). In summary, the available evidence is currently insufficient to determine the role of this variant in disease. Therefore, it has been classified as a Variant of Uncertain Significance. Advanced modeling of protein sequence and biophysical properties (such as structural, functional, and spatial information, amino acid conservation, physicochemical variation, residue mobility, and thermodynamic stability) performed at Invitae indicates that this missense variant is not expected to disrupt SH3TC2 protein function. ClinVar contains an entry for this variant (Variation ID: 1522890). This missense change has been observed in individual(s) with Charcot-Marie-Tooth disease (PMID: 31393079, 31634715). This sequence change replaces alanine, which is neutral and non-polar, with aspartic acid, which is acidic and polar, at codon 1206 of the SH3TC2 protein (p.Ala1206Asp).

Literature cited by the submitters: PubMed 31393079; PubMed 31634715.